The following is an entry in ClinVar:

NM_015122.3(FCHO1):c.2324G>A (p.Arg775Gln)

Gene: FCHO1 (FCH and mu domain containing endocytic adaptor 1; plus strand). Cytogenetic location: 19p13.11.
Variant type: single nucleotide variant.
Coding change: c.2324G>A on transcript NM_015122.3 (MANE Select); coding-DNA position 2324, G replaced by A.
Protein change: p.Arg775Gln; replaces arginine 775 with glutamine.
Molecular consequence: missense variant. On other transcripts: non-coding transcript variant (35), intron variant (5).
Genome position (GRCh38, 1-based): chr19:17,784,822, G>A. VCF-style: chr19-17784822-G-A. GRCh37 (hg19) VCF-style: chr19-17895631-G-A.
Other names: c.2324G>A, p.Arg775Gln (NM_001161357.2, NM_001161358.2, NM_001384370.1 and 11 more transcripts); c.2174G>A, p.Arg725Gln (NM_001161359.2, NM_001384384.1, NM_001384385.1 and 1 more transcripts); c.2303G>A, p.Arg768Gln (NM_001384387.1); c.2285G>A, p.Arg762Gln (NM_001384388.1, NM_001384389.1); c.2249G>A, p.Arg750Gln (NM_001384390.1); c.2207G>A, p.Arg736Gln (NM_001384392.1, NM_001384393.1, NM_001384394.1 and 1 more transcripts); c.2048G>A, p.Arg683Gln (NM_001384396.1, NM_001384397.1, NM_001384398.1 and 4 more transcripts); c.2003G>A, p.Arg668Gln (NM_001384403.1); and 5 more; short protein forms R736Q, R768Q, R683Q, R725Q, R762Q, R775Q, R668Q, R750Q.
Identifiers: ClinVar variation 1899502 (VCV001899502.2), dbSNP rs778402480, ClinGen allele CA9300835.

ClinVar aggregate classification (germline): Uncertain significance (1 of 4 stars; one submission).

Allele frequency attached by ClinVar (database versions not stated): gnomAD 0.00001; gnomAD exomes 0.00001; TOPMed 0.00001; ExAC 0.00002.
gnomAD v4.1: 23 of 1,613,870 alleles (0.0014%); highest among the groups gnomAD compares: Admixed American, 0.0067%; no homozygotes.

Submission:

Labcorp Genetics (formerly Invitae), Labcorp
Classification: Uncertain significance. Last evaluated: 2022-05-12. Review status: criteria provided, single submitter. Criteria: Invitae Variant Classification Sherloc (09022015). Collection method: clinical testing. Allele origin: germline.
Comment: This sequence change replaces arginine, which is basic and polar, with glutamine, which is neutral and polar, at codon 775 of the FCHO1 protein (p.Arg775Gln). This variant is present in population databases (rs778402480, gnomAD 0.006%). This variant has not been reported in the literature in individuals affected with FCHO1-related conditions. Algorithms developed to predict the effect of missense changes on protein structure and function output the following: SIFT: "Tolerated"; PolyPhen-2: "Benign"; Align-GVGD: "Class C0". The glutamine amino acid residue is found in multiple mammalian species, which suggests that this missense change does not adversely affect protein function. In summary, the available evidence is currently insufficient to determine the role of this variant in disease. Therefore, it has been classified as a Variant of Uncertain Significance.